The following is an entry in ClinVar:

NM_001540.5(HSPB1):c.24C>T (p.Phe8=)

Gene: HSPB1 (heat shock protein family B (small) member 1; plus strand). Cytogenetic location: 7q11.23.
Variant type: single nucleotide variant.
Coding change: c.24C>T on transcript NM_001540.5 (MANE Select); coding-DNA position 24, C replaced by T.
Protein change: p.Phe8=; no amino-acid change (phenylalanine 8 retained).
Molecular consequence: synonymous variant.
Genome position (GRCh38, 1-based): chr7:76,302,736, C>T. VCF-style: chr7-76302736-C-T. GRCh37 (hg19) VCF-style: chr7-75932053-C-T.
Other names: c.24C>T (LRG_248t1).
Identifiers: ClinVar variation 258166 (VCV000258166.46), dbSNP rs201769668, ClinGen allele CA4306234.
Genomic context (GRCh38, chr7:76,302,736, plus strand): 5'-CTTTTCTGAGCAGACGTCCAGAGCAGAGTCAGCCAGCATGACCGAGCGCCGCGTCCCCTT[C>T]TCGCTCCTGCGGGGCCCCAGCTGGGACCCCTTCCGCGACTGGTACCCGCATAGCCGCCTC-3'
Protein context (NP_001531.1, residues 1-18): MTERRVP[Phe8=]SLLRGPSWDP

ClinVar aggregate classification (germline): Benign/Likely benign. Review status: criteria provided, multiple submitters, no conflicts (2 of 4 stars). 10 submissions from 9 submitters: Benign (3); Likely benign (7). Last evaluated 2025-11-24.

Conditions:
HSPB1-related disorder. Also called: HSPB1-related disorders; HSPB1-related condition.
Inborn genetic diseases. Identifiers: MedGen C0950123, MeSH D030342.
Neuronopathy, distal hereditary motor, type 2B. Also called: HMN IIB; NEURONOPATHY, DISTAL HEREDITARY MOTOR, AUTOSOMAL DOMINANT 3; NEURONOPATHY, DISTAL HEREDITARY MOTOR, HARDING TYPE IIB; NEUROPATHY, DISTAL HEREDITARY MOTOR, HARDING TYPE IIB. Identifiers: Orphanet 139525, MedGen C2608087, MONDO:0012080, OMIM 608634.
Charcot-Marie-Tooth disease axonal type 2F (CMT2F). Also called: CHARCOT-MARIE-TOOTH DISEASE, NEURONAL, TYPE 2F; Charcot-Marie-Tooth Neuropathy Type 2F. Identifiers: Orphanet 99940, MedGen C1847823, MONDO:0011687, OMIM 606595.

Allele frequency attached by ClinVar (database versions not stated): gnomAD exomes 0.00017 and 0.00042; gnomAD 0.00022 and 0.00024; ESP Exome Variant Server 0.00024; TOPMed 0.00025; ExAC 0.00037.
gnomAD v4.1: 309 of 1,604,684 alleles (0.019%); highest among the groups gnomAD compares: Non-Finnish European, 0.0029%; 2 homozygotes.

Submissions (10):

Labcorp Genetics (formerly Invitae), Labcorp
Classification: Likely benign for Charcot-Marie-Tooth disease axonal type 2F. Last evaluated: 2025-11-24. Review status: criteria provided, single submitter. Criteria: Invitae Variant Classification Sherloc (09022015). Collection method: clinical testing. Allele origin: germline.

PreventionGenetics, part of Exact Sciences
Classification: Benign for HSPB1-related condition. Last evaluated: 2025-06-30. Review status: criteria provided, single submitter. Criteria: ACMG Guidelines, 2015. Collection method: clinical testing. Allele origin: germline.
Comment: This variant is classified as benign based on ACMG/AMP sequence variant interpretation guidelines (Richards et al. 2015 PMID: 25741868, with internal and published modifications).

Athena Diagnostics
Classification: Benign. Last evaluated: 2025-01-29. Review status: criteria provided, single submitter. Criteria: Athena Diagnostics Criteria. Collection method: clinical testing. Allele origin: unknown.
Comment: The frequency of this variant in the general population is higher than would generally be expected for pathogenic variants in this gene. Computational tools yielded predictions that this variant is unlikely to have an effect on normal RNA splicing.

CeGaT Center for Human Genetics Tuebingen
Classification: Likely benign. Last evaluated: 2024-02-01. Review status: criteria provided, single submitter. Criteria: CeGaT Center For Human Genetics Tuebingen Variant Classification Criteria Version 2. Collection method: clinical testing. Allele origin: germline. Affected: yes. Observed: 1 variant allele.
Comment: HSPB1: BP4, BS1

Ambry Genetics
Classification: Likely benign for Inborn genetic diseases. Last evaluated: 2019-07-11. Review status: criteria provided, single submitter. Criteria: Ambry Variant Classification Scheme 2023. Collection method: clinical testing. Allele origin: germline.

Illumina Laboratory Services, Illumina
Classification: Likely benign for Charcot-Marie-Tooth disease axonal type 2F. Last evaluated: 2018-01-13. Review status: criteria provided, single submitter. Criteria: ICSL Variant Classification Criteria 13 December 2019. Collection method: clinical testing. Allele origin: germline.
Comment: This variant was observed in the ICSL laboratory as part of a predisposition screen in an ostensibly healthy population. It had not been previously curated by ICSL or reported in the Human Gene Mutation Database (HGMD: prior to June 1st, 2018), and was therefore a candidate for classification through an automated scoring system. Utilizing variant allele frequency, disease prevalence and penetrance estimates, and inheritance mode, an automated score was calculated to assess if this variant is too frequent to cause the disease. Based on the score and internal cut-off values, a variant classified as likely benign is not then subjected to further curation. The score for this variant resulted in a classification of likely benign for this disease.

Illumina Laboratory Services, Illumina
Classification: Benign for Neuronopathy, distal hereditary motor, type 2B. Last evaluated: 2018-01-13. Review status: criteria provided, single submitter. Criteria: ICSL Variant Classification Criteria 13 December 2019. Collection method: clinical testing. Allele origin: germline.
Comment: This variant was observed in the ICSL laboratory as part of a predisposition screen in an ostensibly healthy population. It had not been previously curated by ICSL or reported in the Human Gene Mutation Database (HGMD: prior to June 1st, 2018), and was therefore a candidate for classification through an automated scoring system. Utilizing variant allele frequency, disease prevalence and penetrance estimates, and inheritance mode, an automated score was calculated to assess if this variant is too frequent to cause the disease. Based on the score and internal cut-off values, a variant classified as benign is not then subjected to further curation. The score for this variant resulted in a classification of benign for this disease.

Eurofins Ntd Llc (ga)
Classification: Likely benign. Last evaluated: 2016-11-21. Review status: criteria provided, single submitter. Criteria: EGL Classification Definitions 2015. Collection method: clinical testing. Allele origin: germline. Observed: 1 variant allele, 1 heterozygote.

GeneDx
Classification: Likely benign. Last evaluated: 2016-09-03. Review status: criteria provided, single submitter. Criteria: GeneDx Variant Classification (06012015). Collection method: clinical testing. Allele origin: germline. Affected: yes.
Comment: This variant is considered likely benign or benign based on one or more of the following criteria: it is a conservative change, it occurs at a poorly conserved position in the protein, it is predicted to be benign by multiple in silico algorithms, and/or has population frequency not consistent with disease.

Breakthrough Genomics
Classification: Likely benign. Review status: criteria provided, single submitter. Criteria: ACMG Guidelines, 2015. Collection method: not provided. Allele origin: germline. Inheritance: Autosomal dominant inheritance. Affected: yes.